The following is an entry in ClinVar:

NM_181882.3(PRX):c.2311G>C (p.Ala771Pro)

Gene: PRX (periaxin; minus strand). Cytogenetic location: 19q13.2.
Variant type: single nucleotide variant.
Coding change: c.2311G>C on transcript NM_181882.3 (MANE Select); coding-DNA position 2311, G replaced by C.
Protein change: p.Ala771Pro; replaces alanine 771 with proline.
Molecular consequence: missense variant. On other transcripts: 3 prime UTR variant (1).
Genome position (GRCh38, 1-based): chr19:40,396,041, C>G on the plus strand (G>C on the coding strand, the complement: PRX is on the minus strand). VCF-style: chr19-40396041-C-G. GRCh37 (hg19) VCF-style: chr19-40901948-C-G.
Other names: c.*2516G>C (NM_020956.2); short protein forms A771P.
Identifiers: ClinVar variation 575272 (VCV000575272.8), dbSNP rs1568706134, ClinGen allele CA405896560.

ClinVar aggregate classification (germline): Uncertain significance (1 of 4 stars; one submission).

Conditions:
Charcot-Marie-Tooth disease type 4. Also called: Charcot-Marie-Tooth disease, type IV; Charcot-Marie-Tooth, Type 4. Identifiers: Orphanet 64749, MedGen C4082197, MONDO:0018995.

Submission:

Labcorp Genetics (formerly Invitae), Labcorp
Classification: Uncertain significance for Charcot-Marie-Tooth disease type 4. Last evaluated: 2021-08-19. Review status: criteria provided, single submitter. Criteria: Invitae Variant Classification Sherloc (09022015). Collection method: clinical testing. Allele origin: germline.
Comment: This sequence change replaces alanine with proline at codon 771 of the PRX protein (p.Ala771Pro). The alanine residue is moderately conserved and there is a small physicochemical difference between alanine and proline. This variant is not present in population databases (ExAC no frequency). This variant has not been reported in the literature in individuals with PRX-related disease. Algorithms developed to predict the effect of missense changes on protein structure and function output the following: SIFT: "Tolerated"; PolyPhen-2: "Possibly Damaging"; Align-GVGD: "Class C0". The proline amino acid residue is found in multiple mammalian species, suggesting that this missense change does not adversely affect protein function. These predictions have not been confirmed by published functional studies and their clinical significance is uncertain. In summary, the available evidence is currently insufficient to determine the role of this variant in disease. Therefore, it has been classified as a Variant of Uncertain Significance.